The following is an entry in ClinVar:

NM_005359.6(SMAD4):c.435A>G (p.Gly145=)

Gene: SMAD4 (SMAD family member 4; plus strand). Cytogenetic location: 18q21.2.
Variant type: single nucleotide variant.
Coding change: c.435A>G on transcript NM_005359.6 (MANE Select); coding-DNA position 435, A replaced by G.
Protein change: p.Gly145=; no amino-acid change (glycine 145 retained).
Molecular consequence: synonymous variant.
Genome position (GRCh38, 1-based): chr18:51,049,305, A>G. VCF-style: chr18-51049305-A-G. GRCh37 (hg19) VCF-style: chr18-48575675-A-G.
Identifiers: ClinVar variation 765729 (VCV000765729.10), dbSNP rs1599182895, ClinGen allele CA503873649.

ClinVar aggregate classification (germline): Benign/Likely benign. Review status: criteria provided, multiple submitters, no conflicts (2 of 4 stars). 3 submissions from 3 submitters: Benign (1); Likely benign (2). Last evaluated 2025-07-07.

Conditions:
Hereditary cancer-predisposing syndrome. Also called: Neoplastic Syndromes, Hereditary; Hereditary neoplastic syndrome; Hereditary Cancer Syndrome; Tumor predisposition. Identifiers: Orphanet 140162, MedGen C0027672, MeSH D009386, MONDO:0015356.
Juvenile polyposis syndrome (JPS). Identifiers: Orphanet 2929, MedGen C0345893, MONDO:0017380, OMIM 174900.
Juvenile polyposis/hereditary hemorrhagic telangiectasia syndrome (JPHT). Also called: JP/HHT SYNDROME; JUVENILE POLYPOSIS WITH HEREDITARY HEMORRHAGIC TELANGIECTASIA; POLYPOSIS, GENERALIZED JUVENILE, WITH PULMONARY ARTERIOVENOUS MALFORMATION; TELANGIECTASIA, HEREDITARY HEMORRHAGIC, WITH JUVENILE POLYPOSIS COLI; Juvenile Polyposis Syndrome / Hereditary Hemorrhagic Telangiectasia (JPS/HHT). Identifiers: Orphanet 2929, MedGen C1832942, MONDO:0008278, OMIM 175050.

Submissions (3):

Color Diagnostics, LLC DBA Color Health
Classification: Likely benign for Hereditary cancer-predisposing syndrome. Last evaluated: 2025-07-07. Review status: criteria provided, single submitter. Criteria: ACMG Guidelines, 2015. Collection method: clinical testing. Allele origin: germline.

Myriad Genetics, Inc.
Classification: Benign for Juvenile polyposis/hereditary hemorrhagic telangiectasia syndrome. Last evaluated: 2025-03-19. Review status: criteria provided, single submitter. Criteria: Myriad Autosomal Dominant, Autosomal Recessive and X-Linked Classification Criteria (2023). Collection method: clinical testing. Allele origin: unknown.
Comment: This variant is considered benign. This variant is a silent/synonymous amino acid change and it is not expected to impact splicing.

Labcorp Genetics (formerly Invitae), Labcorp
Classification: Likely benign for Juvenile polyposis syndrome. Last evaluated: 2024-09-11. Review status: criteria provided, single submitter. Criteria: Invitae Variant Classification Sherloc (09022015). Collection method: clinical testing. Allele origin: germline.